The following is an entry in ClinVar:

NM_001130987.2(DYSF):c.2707G>T (p.Glu903Ter)

Gene: DYSF (dysferlin; plus strand). Cytogenetic location: 2p13.2.
Variant type: single nucleotide variant.
Coding change: c.2707G>T on transcript NM_001130987.2 (MANE Select); coding-DNA position 2707, G replaced by T.
Protein change: p.Glu903Ter; replaces glutamic acid 903 with a stop codon.
Molecular consequence: nonsense.
Genome position (GRCh38, 1-based): chr2:71,568,181, G>T. VCF-style: chr2-71568181-G-T. GRCh37 (hg19) VCF-style: chr2-71795311-G-T.
Other names: c.2656G>T, p.Glu886Ter (NM_001130455.2, NM_001130983.2); c.2611G>T, p.Glu871Ter (NM_001130976.2, NM_001130977.2); c.2653G>T, p.Glu885Ter (NM_001130978.2, NM_003494.4); c.2746G>T, p.Glu916Ter (NM_001130979.2); c.2704G>T, p.Glu902Ter (NM_001130980.2, NM_001130981.2); c.2749G>T, p.Glu917Ter (NM_001130982.2); c.2614G>T, p.Glu872Ter (NM_001130984.2, NM_001130986.2); c.2707G>T, p.Glu903Ter (NM_001130985.2); short protein forms E902*, E872*, E903*, E916*, E885*, E886*, E871*, E917*.
Identifiers: ClinVar variation 869487 (VCV000869487.4), dbSNP rs770997582, ClinGen allele CA49744793.

ClinVar aggregate classification (germline): Pathogenic. Review status: criteria provided, single submitter (1 of 4 stars). 2 submissions from 2 submitters: Pathogenic (1). 1 of the submissions does not count toward it. Last evaluated 2023-04-10.

Conditions:
Neuromuscular disease caused by qualitative or quantitative defects of dysferlin. Also called: Dysferlinopathy; Qualitative or quantitative defects of dysferlin. Identifiers: Orphanet 207073, MedGen C2931687, MONDO:0016145.

Submissions (2):

Labcorp Genetics (formerly Invitae), Labcorp
Classification: Pathogenic for Neuromuscular disease caused by qualitative or quantitative defects of dysferlin. Last evaluated: 2023-04-10. Review status: criteria provided, single submitter. Criteria: Invitae Variant Classification Sherloc (09022015). Collection method: clinical testing. Allele origin: germline.
Comment: For these reasons, this variant has been classified as Pathogenic. ClinVar contains an entry for this variant (Variation ID: 869487). This premature translational stop signal has been observed in individual(s) with dysferlinopathy (PMID: 33613410). This variant is not present in population databases (gnomAD no frequency). This sequence change creates a premature translational stop signal (p.Glu885*) in the DYSF gene. It is expected to result in an absent or disrupted protein product. Loss-of-function variants in DYSF are known to be pathogenic (PMID: 17698709, 20301480).

Department of Neurology, Guangzhou First People’s Hospital, School of Medicine, South China University of Technology
Classification: Pathogenic. Last evaluated: 2019-07-01. Review status: no assertion criteria provided. Collection method: reference population. Allele origin: germline. Affected: yes. Not counted in ClinVar's aggregate classification.

Literature cited by the submitters: PubMed 33613410 (cited by Labcorp Genetics (formerly Invitae), Labcorp); PubMed 17698709 (cited by Labcorp Genetics (formerly Invitae), Labcorp); PubMed 20301480 (cited by Labcorp Genetics (formerly Invitae), Labcorp).